The following is an entry in ClinVar:

NM_000455.5(STK11):c.62G>T (p.Gly21Val)

Gene: STK11 (serine/threonine kinase 11; plus strand). Cytogenetic location: 19p13.3.
Variant type: single nucleotide variant.
Coding change: c.62G>T on transcript NM_000455.5 (MANE Select); coding-DNA position 62, G replaced by T.
Protein change: p.Gly21Val; replaces glycine 21 with valine.
Molecular consequence: missense variant.
Genome position (GRCh38, 1-based): chr19:1,206,975, G>T. VCF-style: chr19-1206975-G-T. GRCh37 (hg19) VCF-style: chr19-1206974-G-T.
Other names: c.62G>T, p.Gly21Val (NM_001407255.1); short protein forms G21V.
Identifiers: ClinVar variation 1752725 (VCV001752725.2), dbSNP rs2145404676, ClinGen allele CA402943402.

ClinVar aggregate classification (germline): Uncertain significance (1 of 4 stars; one submission).

Conditions:
Hereditary cancer-predisposing syndrome. Also called: Neoplastic Syndromes, Hereditary; Tumor predisposition; Hereditary Cancer Syndrome; Hereditary neoplastic syndrome. Identifiers: Orphanet 140162, MedGen C0027672, MeSH D009386, MONDO:0015356.

Submission:

Ambry Genetics
Classification: Uncertain significance for Hereditary cancer-predisposing syndrome. Last evaluated: 2022-02-12. Review status: criteria provided, single submitter. Criteria: Ambry Variant Classification Scheme 2023. Collection method: clinical testing. Allele origin: germline.
Comment: The p.G21V variant (also known as c.62G>T), located in coding exon 1 of the STK11 gene, results from a G to T substitution at nucleotide position 62. The glycine at codon 21 is replaced by valine, an amino acid with dissimilar properties. This amino acid position is conserved. In addition, the in silico prediction for this alteration is inconclusive. Since supporting evidence is limited at this time, the clinical significance of this alteration remains unclear.